The following is an entry in ClinVar:

ClinVar aggregate classification (germline): Pathogenic. Review status: criteria provided, multiple submitters, no conflicts (2 of 4 stars). 2 submissions from 2 submitters: Pathogenic (2). Last evaluated 2025-07-16.

Conditions:
Arrhythmogenic cardiomyopathy with wooly hair and keratoderma. Also called: PALMOPLANTAR KERATODERMA WITH LEFT VENTRICULAR CARDIOMYOPATHY AND WOOLLY HAIR; Carvajal syndrome; Dilated cardiomyopathy with woolly hair and keratoderma; Arrhythmogenic cardiomyopathy with woolly hair and keratoderma. Identifiers: Orphanet 65282, MedGen C1854063, MONDO:0011581, OMIM 605676.
Arrhythmogenic right ventricular dysplasia 8 (ARVD8). Also called: Arrhythmogenic Right Ventricular Dysplasia/Cardiomyopathy 8; ARRHYTHMOGENIC RIGHT VENTRICULAR DYSPLASIA, FAMILIAL, 8; ARRHYTHMOGENIC RIGHT VENTRICULAR CARDIOMYOPATHY 8. Identifiers: MedGen C1843896, MONDO:0011831, OMIM 607450.
Cardiovascular phenotype. Identifiers: MedGen CN230736.

Submissions (2):

Ambry Genetics
Classification: Pathogenic for Cardiovascular phenotype. Last evaluated: 2025-07-16. Review status: criteria provided, single submitter. Criteria: Ambry Variant Classification Scheme 2023. Collection method: clinical testing. Allele origin: germline.
Comment: The p.W207* pathogenic mutation (also known as c.620G>A), located in coding exon 5 of the DSP gene, results from a G to A substitution at nucleotide position 620. This changes the amino acid from a tryptophan to a stop codon within coding exon 5. This variant was reported in individual(s) with features consistent with arrhythmogenic right ventricular cardiomyopathy and dilated cardiomyopathy (Xu T et al. J Am Coll Cardiol, 2010 Feb;55:587-97; Ye JZ et al. Clin Genet, 2019 Dec;96:506-514). This variant is considered to be rare based on population cohorts in the Genome Aggregation Database (gnomAD). This alteration is expected to result in loss of function by premature protein truncation or nonsense-mediated mRNA decay. As such, this alteration is interpreted as a disease-causing mutation.

Labcorp Genetics (formerly Invitae), Labcorp
Classification: Pathogenic for Arrhythmogenic cardiomyopathy with wooly hair and keratoderma; Arrhythmogenic right ventricular dysplasia 8. Last evaluated: 2024-12-27. Review status: criteria provided, single submitter. Criteria: Invitae Variant Classification Sherloc (09022015). Collection method: clinical testing. Allele origin: germline.
Comment: This sequence change creates a premature translational stop signal (p.Trp207*) in the DSP gene. It is expected to result in an absent or disrupted protein product. Loss-of-function variants in DSP are known to be pathogenic (PMID: 20716751, 24503780, 25227139). This variant is not present in population databases (gnomAD no frequency). This premature translational stop signal has been observed in individual(s) with DSP-related conditions (PMID: 20152563). For these reasons, this variant has been classified as Pathogenic.

Literature cited by the submitters: PubMed 20152563 (cited by Ambry Genetics and Labcorp Genetics (formerly Invitae), Labcorp); PubMed 31402444 (cited by Ambry Genetics); PubMed 20716751 (cited by Labcorp Genetics (formerly Invitae), Labcorp); PubMed 24503780 (cited by Labcorp Genetics (formerly Invitae), Labcorp); PubMed 25227139 (cited by Labcorp Genetics (formerly Invitae), Labcorp).

NM_004415.4(DSP):c.620G>A (p.Trp207Ter)

Gene: DSP (desmoplakin; plus strand). Cytogenetic location: 6p24.3.
Variant type: single nucleotide variant.
Coding change: c.620G>A on transcript NM_004415.4 (MANE Select); coding-DNA position 620, G replaced by A.
Protein change: p.Trp207Ter; replaces tryptophan 207 with a stop codon.
Molecular consequence: nonsense.
Genome position (GRCh38, 1-based): chr6:7,562,674, G>A. VCF-style: chr6-7562674-G-A. GRCh37 (hg19) VCF-style: chr6-7562907-G-A.
Other names: c.620G>A, p.Trp207Ter (NM_001008844.3, NM_001319034.2, NM_001406591.1); short protein forms W207*.
Identifiers: ClinVar variation 3759099 (VCV003759099.3).